The following is an entry in ClinVar:

ClinVar aggregate classification (germline): Uncertain significance (1 of 4 stars; one submission).

Conditions:
LAMA2-related muscular dystrophy (LAMA2-RD). Also called: Laminin alpha 2-related dystrophy. Identifiers: MedGen C5679788, MONDO:0100228.

Allele frequency attached by ClinVar (database versions not stated): gnomAD exomes below 0.00001.
gnomAD v4.1: 1 of 1,614,090 alleles (0.000062%); highest among the groups gnomAD compares: South Asian, 0.0011%; no homozygotes.

Submission:

Labcorp Genetics (formerly Invitae), Labcorp
Classification: Uncertain significance for Laminin alpha 2-related dystrophy. Last evaluated: 2019-08-28. Review status: criteria provided, single submitter. Criteria: Invitae Variant Classification Sherloc (09022015). Collection method: clinical testing. Allele origin: germline.
Comment: This sequence change replaces proline with leucine at codon 2667 of the LAMA2 protein (p.Pro2667Leu). The proline residue is moderately conserved and there is a moderate physicochemical difference between proline and leucine. This variant is not present in population databases (ExAC no frequency). This variant has not been reported in the literature in individuals with LAMA2-related conditions. Algorithms developed to predict the effect of missense changes on protein structure and function output the following: SIFT: "Tolerated"; PolyPhen-2: "Benign"; Align-GVGD: "Class C0". The leucine amino acid residue is found in multiple mammalian species, suggesting that this missense change does not adversely affect protein function. These predictions have not been confirmed by published functional studies and their clinical significance is uncertain. In summary, the available evidence is currently insufficient to determine the role of this variant in disease. Therefore, it has been classified as a Variant of Uncertain Significance.

NM_000426.4(LAMA2):c.8000C>T (p.Pro2667Leu)

Gene: LAMA2 (laminin subunit alpha 2; plus strand). Cytogenetic location: 6q22.33.
Variant type: single nucleotide variant.
Coding change: c.8000C>T on transcript NM_000426.4 (MANE Select); coding-DNA position 8000, C replaced by T.
Protein change: p.Pro2667Leu; replaces proline 2667 with leucine.
Molecular consequence: missense variant.
Genome position (GRCh38, 1-based): chr6:129,492,002, C>T. VCF-style: chr6-129492002-C-T. GRCh37 (hg19) VCF-style: chr6-129813147-C-T.
Other names: c.7988C>T, p.Pro2663Leu (NM_001079823.2); short protein forms P2663L, P2667L.
Identifiers: ClinVar variation 943832 (VCV000943832.1), dbSNP rs1784888052, ClinGen allele CA365630765.
Genomic context (GRCh38, chr6:129,492,002, plus strand): 5'-AAAACCTGACAGTTGAACAGCCTATCGAAGTTAAAAAGCTTTTCGTTGGGGGTGCTCCAC[C>T]TGAATTTCAACCTTCCCCACTCAGAAATATTCCTCCTTTTGAAGGCTGCATATGGAATCT-3'
Protein context (NP_000417.3, residues 2657-2677): VKKLFVGGAP[Pro2667Leu]EFQPSPLRNI